The following is an entry in ClinVar:

ClinVar aggregate classification (germline): Uncertain significance. Review status: criteria provided, multiple submitters, no conflicts (2 of 4 stars). 2 submissions from 2 submitters: Uncertain significance (2). Last evaluated 2022-11-15.

Conditions:
Myasthenic syndrome, congenital, 22 (CMS22). Also called: PREPL DEFICIENCY. Identifiers: MedGen C4479088, MONDO:0044299, OMIM 616224.

Allele frequency attached by ClinVar (database versions not stated): gnomAD 0.00001; TOPMed 0.00004; gnomAD exomes 0.00007.
gnomAD v4.1: 107 of 1,613,586 alleles (0.0066%); highest among the groups gnomAD compares: East Asian, 0.16%; no homozygotes.

Submissions (2):

Labcorp Genetics (formerly Invitae), Labcorp
Classification: Uncertain significance for Myasthenic syndrome, congenital, 22. Last evaluated: 2022-11-15. Review status: criteria provided, single submitter. Criteria: Invitae Variant Classification Sherloc (09022015). Collection method: clinical testing. Allele origin: germline.
Comment: In summary, the available evidence is currently insufficient to determine the role of this variant in disease. Therefore, it has been classified as a Variant of Uncertain Significance. Advanced modeling of protein sequence and biophysical properties (such as structural, functional, and spatial information, amino acid conservation, physicochemical variation, residue mobility, and thermodynamic stability) performed at Invitae indicates that this missense variant is not expected to disrupt PREPL protein function. ClinVar contains an entry for this variant (Variation ID: 963907). This missense change has been observed in individual(s) with congenital myasthenic syndrome (PMID: 33233562). This variant is present in population databases (rs140355063, gnomAD 0.08%). This sequence change replaces arginine, which is basic and polar, with glutamine, which is neutral and polar, at codon 647 of the PREPL protein (p.Arg647Gln).

3billion
Classification: Uncertain significance for Myasthenic syndrome, congenital, 22. Last evaluated: 2021-10-02. Review status: criteria provided, single submitter. Criteria: ACMG Guidelines, 2015. Collection method: clinical testing. Allele origin: biparental. Affected: yes. Observed: 1 homozygote.
Comment: It is observed at an extremely low frequency in the gnomAD v2.1.1 dataset (total allele frequency: 0.00008501, PM2). Therefore, this variant is classified as uncertain significance according to the recommendation of ACMG/AMP guideline.

Literature cited by the submitters: PubMed 33233562 (cited by Labcorp Genetics (formerly Invitae), Labcorp and 3billion).

NM_001171613.2(PREPL):c.1673G>A (p.Arg558Gln)

Gene: PREPL (prolyl endopeptidase like; minus strand). Cytogenetic location: 2p21.
Variant type: single nucleotide variant.
Coding change: c.1673G>A on transcript NM_001171613.2 (MANE Select); coding-DNA position 1673, G replaced by A.
Protein change: p.Arg558Gln; replaces arginine 558 with glutamine.
Molecular consequence: missense variant.
Genome position (GRCh38, 1-based): chr2:44,322,811, C>T on the plus strand (G>A on the coding strand, the complement: PREPL is on the minus strand). VCF-style: chr2-44322811-C-T. GRCh37 (hg19) VCF-style: chr2-44549950-C-T.
Other names: c.1940G>A, p.Arg647Gln (NM_006036.4, NM_001171603.1, NM_001171606.2 and 2 more transcripts); c.1754G>A, p.Arg585Gln (NM_001042385.2); c.1742G>A, p.Arg581Gln (NM_001042386.2); c.1673G>A, p.Arg558Gln (NM_001171617.1, NM_001374277.1); short protein forms R585Q, R647Q, R558Q, R581Q.
Identifiers: ClinVar variation 963907 (VCV000963907.9), dbSNP rs140355063, ClinGen allele CA1640999.
Genomic context (GRCh38, chr2:44,322,811, plus strand): 5'-TGCTCCGCGATGGCTTCCTTGAGTTTCTCAGTATAACTTACAATTCCTTTCAGAGGTACC[C>T]GTTCATCGTTTTCATATGCCGTTATGTGAATTGAAGGATAATGCTGAAAGAAAATACATG-3'
Protein context (NP_001165084.1, residues 548-568): IHITAYENDE[Arg558Gln]VPLKGIVSYT